The following is an entry in ClinVar:

ClinVar aggregate classification (germline): Uncertain significance (1 of 4 stars; one submission).

Conditions:
Malignant hyperthermia, susceptibility to, 5 (MHS5). Also called: CACNA1S-Related Malignant Hyperthermia Susceptibility. Identifiers: Orphanet 423, MedGen C1866077, MONDO:0011163, OMIM 601887.

Submission:

All of Us Research Program, National Institutes of Health
Classification: Uncertain significance for Malignant hyperthermia, susceptibility to, 5. Last evaluated: 2024-05-30. Review status: criteria provided, single submitter. Criteria: ACMG Guidelines, 2015. Collection method: clinical testing. Allele origin: germline. Inheritance: Autosomal dominant inheritance. Observed: 1 variant allele, 1 heterozygote.
Comment: This missense variant replaces cysteine with arginine at codon 1718 of the CACNA1S protein. Computational prediction suggests that this variant may not impact protein structure and function. To our knowledge, functional studies have not been reported for this variant. This variant has not been reported in individuals affected with CACNA1S-related disorders in the literature. This variant has not been identified in the general population by the Genome Aggregation Database (gnomAD). The available evidence is insufficient to determine the role of this variant in disease conclusively. Therefore, this variant is classified as a Variant of Uncertain Significance.

This study involves interpretation of variants in research participants for the purpose of population health screening. Participant phenotype was not available at the time of variant classification. Additional details can be found in publication PMID: 35346344, PMCID: PMC8962531

NM_000069.3(CACNA1S):c.5152T>C (p.Cys1718Arg)

Gene: CACNA1S (calcium voltage-gated channel subunit alpha1 S; minus strand). Cytogenetic location: 1q32.1.
Variant type: single nucleotide variant.
Coding change: c.5152T>C on transcript NM_000069.3 (MANE Select); coding-DNA position 5152, T replaced by C.
Protein change: p.Cys1718Arg; replaces cysteine 1718 with arginine.
Molecular consequence: missense variant.
Genome position (GRCh38, 1-based): chr1:201,040,696, A>G on the plus strand (T>C on the coding strand, the complement: CACNA1S is on the minus strand). VCF-style: chr1-201040696-A-G. GRCh37 (hg19) VCF-style: chr1-201009824-A-G.
Other names: short protein forms C1718R.
Identifiers: ClinVar variation 3386276 (VCV003386276.1).